The following is an entry in ClinVar:

NM_002350.4(LYN):c.317T>C (p.Leu106Ser)

Gene: LYN (LYN proto-oncogene, Src family tyrosine kinase; plus strand). Cytogenetic location: 8q12.1.
Variant type: single nucleotide variant.
Coding change: c.317T>C on transcript NM_002350.4 (MANE Select); coding-DNA position 317, T replaced by C.
Protein change: p.Leu106Ser; replaces leucine 106 with serine.
Molecular consequence: missense variant.
Genome position (GRCh38, 1-based): chr8:55,950,491, T>C. VCF-style: chr8-55950491-T-C. GRCh37 (hg19) VCF-style: chr8-56863050-T-C.
Other names: c.254T>C, p.Leu85Ser (NM_001111097.3); short protein forms L106S, L85S.
Identifiers: ClinVar variation 3351878 (VCV003351878.4).
Genomic context (GRCh38, chr8:55,950,491, plus strand): 5'-TTCTTTTTGATGTGTATTTCTATTCTAGGCATGGAGAATGGTGGAAAGCAAAGTCCCTTT[T>C]AACAAAAAAAGAAGGCTTCATCCCCAGCAACTATGTGGCCAAACTCAACACCTTAGAAAC-3'
Protein context (NP_002341.1, residues 96-116): HGEWWKAKSL[Leu106Ser]TKKEGFIPSN

ClinVar aggregate classification (germline): Uncertain significance. Review status: criteria provided, multiple submitters, no conflicts (2 of 4 stars). 2 submissions from 2 submitters: Uncertain significance (2). Last evaluated 2026-05-13.

Conditions:
LYN-related disorder. Also called: LYN-related condition.

Submissions (2):

PreventionGenetics, part of Exact Sciences
Classification: Uncertain significance for LYN-related condition. Last evaluated: 2026-05-13. Review status: criteria provided, single submitter. Criteria: ACMG Guidelines, 2015. Collection method: clinical testing. Allele origin: germline.
Comment: The LYN c.317T>C variant is predicted to result in the amino acid substitution p.Leu106Ser. To our knowledge, this variant has not been reported in the literature. This variant is reported in 0.0023% of alleles in individuals of European (Non-Finnish) descent in gnomAD. Note that this amino acid residue is poorly conserved across species, and several species have a serine at this position (Alamut Visual v1.6.1). At this time, the clinical significance of this variant is uncertain due to the absence of conclusive functional and genetic evidence.

Labcorp Genetics (formerly Invitae), Labcorp
Classification: Uncertain significance. Last evaluated: 2024-10-03. Review status: criteria provided, single submitter. Criteria: Invitae Variant Classification Sherloc (09022015). Collection method: clinical testing. Allele origin: germline.
Comment: This sequence change replaces leucine, which is neutral and non-polar, with serine, which is neutral and polar, at codon 106 of the LYN protein (p.Leu106Ser). This variant is present in population databases (rs747525732, gnomAD 0.002%). This variant has not been reported in the literature in individuals affected with LYN-related conditions. An algorithm developed to predict the effect of missense changes on protein structure and function outputs the following: PolyPhen-2: "Benign". The serine amino acid residue is found in multiple mammalian species, which suggests that this missense change does not adversely affect protein function. In summary, the available evidence is currently insufficient to determine the role of this variant in disease. Therefore, it has been classified as a Variant of Uncertain Significance.